The following is an entry in ClinVar:

ClinVar aggregate classification (germline): Uncertain significance (1 of 4 stars; one submission).

Submission:

GeneDx
Classification: Uncertain significance. Last evaluated: 2026-01-10. Review status: criteria provided, single submitter. Criteria: GeneDx Variant Classification Process June 2021. Collection method: clinical testing. Allele origin: germline.
Comment: Not observed at significant frequency in large population cohorts (gnomAD); In silico analysis suggests that this missense variant does not alter protein structure/function; Has not been previously published as pathogenic or benign to our knowledge

NM_001378418.1(TCF20):c.2254C>T (p.Leu752Phe)

Gene: TCF20 (transcription factor 20; minus strand). Cytogenetic location: 22q13.2.
Variant type: single nucleotide variant.
Coding change: c.2254C>T on transcript NM_001378418.1 (MANE Select); coding-DNA position 2254, C replaced by T.
Protein change: p.Leu752Phe; replaces leucine 752 with phenylalanine.
Molecular consequence: missense variant.
Genome position (GRCh38, 1-based): chr22:42,213,052, G>A on the plus strand (C>T on the coding strand, the complement: TCF20 is on the minus strand). VCF-style: chr22-42213052-G-A. GRCh37 (hg19) VCF-style: chr22-42609058-G-A.
Other names: c.2254C>T, p.Leu752Phe (NM_005650.4, NM_181492.3); short protein forms L752F.
Identifiers: ClinVar variation 4975228 (VCV004975228.1).